The following is an entry in ClinVar:

NC_000009.12:g.(?_132897164)_(132897630_?)del

Gene: TSC1 (TSC complex subunit 1; minus strand). Cytogenetic location: 9q34.13.
Variant type: Deletion.
Identifiers: ClinVar variation 832464 (VCV000832464.7).

ClinVar aggregate classification (germline): Pathogenic (1 of 4 stars; one submission).

Conditions:
Tuberous sclerosis 1 (TSC1). Identifiers: Orphanet 805, MedGen C1854465, MONDO:0008612, OMIM 191100.

Submission:

Labcorp Genetics (formerly Invitae), Labcorp
Classification: Pathogenic for Tuberous sclerosis 1. Last evaluated: 2020-02-04. Review status: criteria provided, single submitter. Criteria: Invitae Variant Classification Sherloc (09022015). Collection method: clinical testing. Allele origin: germline.
Comment: For these reasons, this variant has been classified as Pathogenic. A similar copy number variant has been observed in individuals with clinical features of tuberous sclerosis complex (PMID: 11281455, Invitae). In at least one individual the variant was observed to be de novo. This variant is a sub-genic deletion of the genomic region encompassing exons 21-22 of the TSC1 gene. While this deletion is not anticipated to result in nonsense mediated decay, it is expected to create a truncated protein product.

Literature cited by the submitters: PubMed 11281455.